The following is an entry in ClinVar:

ClinVar aggregate classification (germline): Uncertain significance (1 of 4 stars; one submission).

Conditions:
Cornelia de Lange syndrome 4 (CDLS4). Also called: CORNELIA DE LANGE SYNDROME 4 WITH OR WITHOUT MIDLINE BRAIN DEFECTS; RAD21-Related Cornelia de Lange Syndrome. Identifiers: Orphanet 199, MedGen C3553517, MONDO:0013864, OMIM 614701.

gnomAD v4.1: 17 of 1,608,506 alleles (0.0011%); highest among the groups gnomAD compares: Non-Finnish European, 0.0014%; no homozygotes.

Submission:

Labcorp Genetics (formerly Invitae), Labcorp
Classification: Uncertain significance for Cornelia de Lange syndrome 4. Last evaluated: 2024-07-29. Review status: criteria provided, single submitter. Criteria: Invitae Variant Classification Sherloc (09022015). Collection method: clinical testing. Allele origin: germline.
Comment: This sequence change replaces glutamine, which is neutral and polar, with histidine, which is basic and polar, at codon 293 of the RAD21 protein (p.Gln293His). This variant is present in population databases (no rsID available, gnomAD 0.0009%). This variant has not been reported in the literature in individuals affected with RAD21-related conditions. Advanced modeling of protein sequence and biophysical properties (such as structural, functional, and spatial information, amino acid conservation, physicochemical variation, residue mobility, and thermodynamic stability) performed at Invitae indicates that this missense variant is not expected to disrupt RAD21 protein function with a negative predictive value of 80%. In summary, the available evidence is currently insufficient to determine the role of this variant in disease. Therefore, it has been classified as a Variant of Uncertain Significance.

NM_006265.3(RAD21):c.879A>C (p.Gln293His)

Gene: RAD21 (RAD21 cohesin complex component; minus strand). Cytogenetic location: 8q24.11.
Variant type: single nucleotide variant.
Coding change: c.879A>C on transcript NM_006265.3 (MANE Select); coding-DNA position 879, A replaced by C.
Protein change: p.Gln293His; replaces glutamine 293 with histidine.
Molecular consequence: missense variant.
Genome position (GRCh38, 1-based): chr8:116,856,224, T>G on the plus strand (A>C on the coding strand, the complement: RAD21 is on the minus strand). VCF-style: chr8-116856224-T-G. GRCh37 (hg19) VCF-style: chr8-117868463-T-G.
Other names: short protein forms Q293H.
Identifiers: ClinVar variation 3730482 (VCV003730482.2).